The following is an entry in ClinVar:

NM_177972.3(TUB):c.597TGAGGAGGA[3] (p.199DEE[3])

Genes: RIC3 (RIC3 acetylcholine receptor chaperone; minus strand), TUB (TUB bipartite transcription factor; plus strand). Cytogenetic location: 11p15.4.
Variant type: Microsatellite.
Coding change: c.597TGAGGAGGA[3] on transcript NM_177972.3 (MANE Select); three copies in a row of the 9-base unit TGAGGAGGA starting at c.597; the reference has two copies in a row; one copy, 9 bases duplicated.
Protein change: p.199DEE[3].
Molecular consequence: inframe insertion.
Genome position (GRCh38, 1-based): chr11:8,096,725-8,096,733, TGAGGAGGA duplicated; duplicating any 9 consecutive bases within chr11:8,096,711-8,096,733 gives the same sequence; the position shown is the placement nearest the transcript's 3' end. VCF-style (leftmost placement, unchanged base first): chr11-8096710-C-CGAGGATGAG. GRCh37 (hg19) VCF-style: chr11-8118257-C-CGAGGATGAG.
Other names: c.762TGAGGAGGA[3], p.254DEE[3] (NM_003320.5); c.771_779dup9 (NM_003320.4).
Identifiers: ClinVar variation 1008099 (VCV001008099.11), dbSNP rs762696992, ClinGen allele CA5871156.

ClinVar aggregate classification (germline): Uncertain significance. Review status: criteria provided, multiple submitters, no conflicts (2 of 4 stars). 2 submissions from 2 submitters: Uncertain significance (2). Last evaluated 2026-01-05.

Conditions:
TUB-related disorder. Also called: TUB-related condition.

Submissions (2):

Labcorp Genetics (formerly Invitae), Labcorp
Classification: Uncertain significance. Last evaluated: 2026-01-05. Review status: criteria provided, single submitter. Criteria: Invitae Variant Classification Sherloc (09022015). Collection method: clinical testing. Allele origin: germline.
Comment: This variant, c.771_779dup, results in the insertion of 3 amino acid(s) of the TUB protein (p.Asp257_Glu259dup), but otherwise preserves the integrity of the reading frame. This variant is present in population databases (rs762696992, gnomAD 0.008%). This variant has not been reported in the literature in individuals affected with TUB-related conditions. Experimental studies and prediction algorithms are not available or were not evaluated, and the functional significance of this variant is currently unknown. In summary, the available evidence is currently insufficient to determine the role of this variant in disease. Therefore, it has been classified as a Variant of Uncertain Significance.

PreventionGenetics, part of Exact Sciences
Classification: Uncertain significance for TUB-related condition. Last evaluated: 2025-08-18. Review status: criteria provided, single submitter. Criteria: ACMG Guidelines, 2015. Collection method: clinical testing. Allele origin: germline.
Comment: The TUB c.771_779dup9 variant is predicted to result in an in-frame duplication (p.Asp257_Glu259dup). To our knowledge, this variant has not been reported in the literature. This variant is reported in 0.0080% of alleles in individuals of African descent in gnomAD. At this time, the clinical significance of this variant is uncertain due to the absence of conclusive functional and genetic evidence.